The following is an entry in ClinVar:

ClinVar aggregate classification (germline): Pathogenic (1 of 4 stars; one submission).

Conditions:
Renal cysts and diabetes syndrome (RCAD). Also called: Familial hypoplastic, glomerulocystic kidney; MATURITY-ONSET DIABETES OF THE YOUNG, TYPE 5. Identifiers: Orphanet 93111, MedGen C0431693, MONDO:0007669, OMIM 137920.

Submission:

Institute of Human Genetics, FAU Erlangen, Friedrich-Alexander-Universität Erlangen-Nürnberg
Classification: Pathogenic for Renal cysts and diabetes syndrome. Last evaluated: 2019-07-06. Review status: criteria provided, single submitter. Criteria: ACMG Guidelines, 2015. Collection method: literature only. Allele origin: germline. Affected: yes.
Comment: This variant and it's classification has been reported by Vasileiou et al. 2019; DOI:10.1101/576918. The variants has previously been reported in PMID:25700310; PMID:16801329; PMID:27297286; PMID:25536396 as "c.335_342delGGATGCTC; c.335_342del, p.Arg112Glnfs*2; c.335_342delGGATGCTC" with clinical significance Pathogenic. It has been re-classified using InterVar and manual curation as Pathogenic based on PVS1 PM2 PP3.

Literature cited by the submitters: PubMed 25700310; PubMed 16801329; PubMed 27297286; PubMed 25536396; DOI 10.1101/576918.

NM_000458.4(HNF1B):c.335_342del (p.Arg112fs)

Gene: HNF1B (HNF1 homeobox B; minus strand). Cytogenetic location: 17q12.
Variant type: Deletion.
Coding change: c.335_342del on transcript NM_000458.4 (MANE Select); coding-DNA positions 335 to 342, 8 bases deleted (GGATGCTC; older notation c.335_342delGGATGCTC).
Protein change: p.Arg112fs; shifts the reading frame from arginine 112.
Molecular consequence: frameshift variant.
Genome position (GRCh38, 1-based): chr17:37,744,543-37,744,550, GAGCATCC deleted on the plus strand (GGATGCTC on the coding strand, the reverse complement: HNF1B is on the minus strand); deleting any 8 consecutive bases within chr17:37,744,543-37,744,551 gives the same sequence; the c. name uses the placement nearest the transcript's 3' end. VCF-style (leftmost placement, unchanged base first): chr17-37744542-TGAGCATCC-T. GRCh37 (hg19) VCF-style: chr17-36104533-TGAGCATCC-T.
Other names: c.335_342del, p.Arg112fs (NM_001165923.4, NM_001304286.2); short protein forms R112fs.
Identifiers: ClinVar variation 635713 (VCV000635713.1), dbSNP rs2511849369, ClinGen allele CA913190798.